The following is an entry in ClinVar:

NM_000038.6(APC):c.6336A>G (p.Val2112=)

Gene: APC (APC regulator of Wnt signaling pathway; plus strand). Cytogenetic location: 5q22.2.
Variant type: single nucleotide variant.
Coding change: c.6336A>G on transcript NM_000038.6 (MANE Select); coding-DNA position 6336, A replaced by G.
Protein change: p.Val2112=; no amino-acid change (valine 2112 retained).
Molecular consequence: synonymous variant.
Genome position (GRCh38, 1-based): chr5:112,841,930, A>G. VCF-style: chr5-112841930-A-G. GRCh37 (hg19) VCF-style: chr5-112177627-A-G.
Other names: c.6336A>G, p.Val2112= (NM_001127510.3, NM_001354895.2); c.6282A>G, p.Val2094= (NM_001127511.3); c.6390A>G, p.Val2130= (NM_001354896.2); c.6366A>G, p.Val2122= (NM_001354897.2); c.6261A>G, p.Val2087= (NM_001354898.2); c.6252A>G, p.Val2084= (NM_001354899.2); c.6213A>G, p.Val2071= (NM_001354900.2); c.6159A>G, p.Val2053= (NM_001354901.2); and 6 more.
Identifiers: ClinVar variation 1638124 (VCV001638124.10), dbSNP rs1766189212, ClinGen allele CA446210338.

ClinVar aggregate classification (germline): Benign/Likely benign. Review status: criteria provided, multiple submitters, no conflicts (2 of 4 stars). 3 submissions from 3 submitters: Benign (1); Likely benign (2). Last evaluated 2026-04-04.

Conditions:
Hereditary cancer-predisposing syndrome. Also called: Hereditary Cancer Syndrome; Neoplastic Syndromes, Hereditary; Hereditary neoplastic syndrome; Tumor predisposition. Identifiers: Orphanet 140162, MedGen C0027672, MeSH D009386, MONDO:0015356.
Familial adenomatous polyposis 1 (FAP1). Also called: FAMILIAL ADENOMATOUS POLYPOSIS 1, ATTENUATED; POLYPOSIS, ADENOMATOUS INTESTINAL. Identifiers: MedGen C2713442, MONDO:0021056, OMIM 175100. Disease mechanism: loss of function.

Allele frequency attached by ClinVar (database versions not stated): gnomAD exomes below 0.00001; TOPMed below 0.00001.
gnomAD v4.1: 1 of 1,613,972 alleles (0.000062%); highest among the groups gnomAD compares: South Asian, 0.0011%; no homozygotes.

Submissions (3):

Ambry Genetics
Classification: Likely benign for Hereditary cancer-predisposing syndrome. Last evaluated: 2026-04-04. Review status: criteria provided, single submitter. Criteria: Ambry Variant Classification Scheme 2023. Collection method: clinical testing. Allele origin: germline.

Labcorp Genetics (formerly Invitae), Labcorp
Classification: Likely benign for Familial adenomatous polyposis 1. Last evaluated: 2025-12-26. Review status: criteria provided, single submitter. Criteria: Invitae Variant Classification Sherloc (09022015). Collection method: clinical testing. Allele origin: germline.

Myriad Genetics, Inc.
Classification: Benign for Familial adenomatous polyposis 1. Last evaluated: 2024-04-04. Review status: criteria provided, single submitter. Criteria: Myriad Autosomal Dominant, Autosomal Recessive and X-Linked Classification Criteria (2023). Collection method: clinical testing. Allele origin: unknown.
Comment: This variant is considered benign. This variant is a silent/synonymous amino acid change and it is not expected to impact splicing.